The following is an entry in ClinVar:

NM_001277115.2(DNAH11):c.5542A>G (p.Ile1848Val)

Gene: DNAH11 (dynein axonemal heavy chain 11; plus strand). Cytogenetic location: 7p15.3.
Variant type: single nucleotide variant.
Coding change: c.5542A>G on transcript NM_001277115.2 (MANE Select); coding-DNA position 5542, A replaced by G.
Protein change: p.Ile1848Val; replaces isoleucine 1848 with valine.
Molecular consequence: missense variant.
Genome position (GRCh38, 1-based): chr7:21,683,865, A>G. VCF-style: chr7-21683865-A-G. GRCh37 (hg19) VCF-style: chr7-21723483-A-G.
Other names: short protein forms I1848V.
Identifiers: ClinVar variation 4869922 (VCV004869922.1).
Genomic context (GRCh38, chr7:21,683,865, plus strand): 5'-ACATGGCTGTCTCAACTTCGTCACCGATGGGAGGATACCCAGAAACACTGCTTTGTTAAT[A>G]TTTGTGATGCCCAGTTCCAGTACTTCTATGAATACTTAGGAAACAGCCCTCGACTAGTGA-3'
Protein context (NP_001264044.1, residues 1838-1858): EDTQKHCFVN[Ile1848Val]CDAQFQYFYE

ClinVar aggregate classification (germline): Uncertain significance (1 of 4 stars; one submission).

Conditions:
Primary ciliary dyskinesia. Also called: Ciliary dyskinesia. Identifiers: Orphanet 244, MedGen C0008780, MONDO:0016575, HP:0012265.

gnomAD v4.1: 14 of 1,613,762 alleles (0.00087%); highest among the groups gnomAD compares: Non-Finnish European, 0.0012%; no homozygotes.

Submission:

Ambry Genetics
Classification: Uncertain significance for Primary ciliary dyskinesia. Last evaluated: 2026-05-14. Review status: criteria provided, single submitter. Criteria: Ambry Variant Classification Scheme 2023. Collection method: clinical testing. Allele origin: germline.
Comment: The p.I1848V variant (also known as c.5542A>G), located in coding exon 32 of the DNAH11 gene, results from an A to G substitution at nucleotide position 5542. The isoleucine at codon 1848 is replaced by valine, an amino acid with highly similar properties. This amino acid position is conserved. In addition, this alteration is predicted to be tolerated by in silico analysis. Based on the available evidence, the clinical significance of this variant remains unclear.